The following is an entry in ClinVar:

NM_000426.4(LAMA2):c.6250A>T (p.Lys2084Ter)

Genes: LAMA2 (laminin subunit alpha 2; plus strand), LOC123864065 (Sharpr-MPRA regulatory region 661; plus strand). Cytogenetic location: 6q22.33.
Variant type: single nucleotide variant.
Coding change: c.6250A>T on transcript NM_000426.4 (MANE Select); coding-DNA position 6250, A replaced by T.
Protein change: p.Lys2084Ter; replaces lysine 2084 with a stop codon.
Molecular consequence: nonsense.
Genome position (GRCh38, 1-based): chr6:129,440,980, A>T. VCF-style: chr6-129440980-A-T. GRCh37 (hg19) VCF-style: chr6-129762125-A-T.
Other names: c.6250A>T, p.Lys2084Ter (NM_001079823.2); short protein forms K2084*.
Identifiers: ClinVar variation 3644333 (VCV003644333.2).
Genomic context (GRCh38, chr6:129,440,980, plus strand): 5'-GGCCTGAAGAAGAATTACAATAAACTAGCAGACAGCGTCGCCAAAACGAATGCTGTGGTT[A>T]AAGATCCTTCCAAGAACAGTAAGATCTCCTTTTTCATTGTGATGATGTCATTTATTTCCT-3'

ClinVar aggregate classification (germline): Pathogenic (1 of 4 stars; one submission).

Conditions:
LAMA2-related muscular dystrophy (LAMA2-RD). Also called: Laminin alpha 2-related dystrophy. Identifiers: MedGen C5679788, MONDO:0100228.

Submission:

Labcorp Genetics (formerly Invitae), Labcorp
Classification: Pathogenic for LAMA2-related muscular dystrophy. Last evaluated: 2024-03-03. Review status: criteria provided, single submitter. Criteria: Invitae Variant Classification Sherloc (09022015). Collection method: clinical testing. Allele origin: germline.
Comment: This sequence change creates a premature translational stop signal (p.Lys2084*) in the LAMA2 gene. It is expected to result in an absent or disrupted protein product. Loss-of-function variants in LAMA2 are known to be pathogenic (PMID: 18700894, 32904964). This variant is not present in population databases (gnomAD no frequency). This variant has not been reported in the literature in individuals affected with LAMA2-related conditions. For these reasons, this variant has been classified as Pathogenic.

Literature cited by the submitters: PubMed 18700894; PubMed 32904964.